The following is an entry in ClinVar:

ClinVar aggregate classification (germline): Uncertain significance (1 of 4 stars; one submission).

Submission:

Labcorp Genetics (formerly Invitae), Labcorp
Classification: Uncertain significance. Last evaluated: 2024-04-10. Review status: criteria provided, single submitter. Criteria: Invitae Variant Classification Sherloc (09022015). Collection method: clinical testing. Allele origin: germline.
Comment: This sequence change replaces proline, which is neutral and non-polar, with glutamine, which is neutral and polar, at codon 507 of the ADAMTS18 protein (p.Pro507Gln). This variant is not present in population databases (gnomAD no frequency). This variant has not been reported in the literature in individuals affected with ADAMTS18-related conditions. An algorithm developed to predict the effect of missense changes on protein structure and function (PolyPhen-2) suggests that this variant is likely to be disruptive. In summary, the available evidence is currently insufficient to determine the role of this variant in disease. Therefore, it has been classified as a Variant of Uncertain Significance.

NM_199355.4(ADAMTS18):c.1520C>A (p.Pro507Gln)

Gene: ADAMTS18 (ADAM metallopeptidase with thrombospondin type 1 motif 18; minus strand). Cytogenetic location: 16q23.1.
Variant type: single nucleotide variant.
Coding change: c.1520C>A on transcript NM_199355.4 (MANE Select); coding-DNA position 1520, C replaced by A.
Protein change: p.Pro507Gln; replaces proline 507 with glutamine.
Molecular consequence: missense variant.
Genome position (GRCh38, 1-based): chr16:77,353,827, G>T on the plus strand (C>A on the coding strand, the complement: ADAMTS18 is on the minus strand). VCF-style: chr16-77353827-G-T. GRCh37 (hg19) VCF-style: chr16-77387724-G-T.
Other names: c.1004C>A, p.Pro335Gln (NM_001326358.2); short protein forms P335Q, P507Q.
Identifiers: ClinVar variation 3669379 (VCV003669379.2).